The following is an entry in ClinVar:

NM_024598.4(USB1):c.107G>T (p.Ser36Ile)

Gene: USB1 (U6 snRNA biogenesis phosphodiesterase 1; plus strand). Cytogenetic location: 16q21.
Variant type: single nucleotide variant.
Coding change: c.107G>T on transcript NM_024598.4 (MANE Select); coding-DNA position 107, G replaced by T.
Protein change: p.Ser36Ile; replaces serine 36 with isoleucine.
Molecular consequence: missense variant. On other transcripts: 5 prime UTR variant (1).
Genome position (GRCh38, 1-based): chr16:58,002,487, G>T. VCF-style: chr16-58002487-G-T. GRCh37 (hg19) VCF-style: chr16-58036391-G-T.
Other names: c.107G>T, p.Ser36Ile (NM_001195302.2, NM_001204911.2, NM_001330569.2); c.-47G>T (NM_001330568.2); short protein forms S36I.
Identifiers: ClinVar variation 3978184 (VCV003978184.1).

ClinVar aggregate classification (germline): Uncertain significance (1 of 4 stars; one submission).

Conditions:
Inborn genetic diseases. Identifiers: MedGen C0950123, MeSH D030342.

Submission:

Ambry Genetics
Classification: Uncertain significance for Inborn genetic diseases. Last evaluated: 2025-06-06. Review status: criteria provided, single submitter. Criteria: Ambry Variant Classification Scheme 2023. Collection method: clinical testing. Allele origin: germline.
Comment: The p.S36I variant (also known as c.107G>T), located in coding exon 2 of the USB1 gene, results from a G to T substitution at nucleotide position 107. The serine at codon 36 is replaced by isoleucine, an amino acid with dissimilar properties. This amino acid position is conserved. In addition, this alteration is predicted to be tolerated by in silico analysis. Based on the available evidence, the clinical significance of this variant remains unclear.